The following is an entry in ClinVar:

NM_001039591.3(USP9X):c.5671G>C (p.Asp1891His)

Gene: USP9X (ubiquitin specific peptidase 9 X-linked; plus strand). Cytogenetic location: Xp11.4.
Variant type: single nucleotide variant.
Coding change: c.5671G>C on transcript NM_001039591.3 (MANE Select); coding-DNA position 5671, G replaced by C.
Protein change: p.Asp1891His; replaces aspartic acid 1891 with histidine.
Molecular consequence: missense variant.
Genome position (GRCh38, 1-based): chrX:41,216,238, G>C. VCF-style: chrX-41216238-G-C. GRCh37 (hg19) VCF-style: chrX-41075491-G-C.
Other names: c.5671G>C, p.Asp1891His (NM_001039590.3); short protein forms D1891H.
Identifiers: ClinVar variation 973055 (VCV000973055.5), dbSNP rs1203955457, ClinGen allele CA412792354.

ClinVar aggregate classification (germline): Uncertain significance (1 of 4 stars; one submission).

Conditions:
Intellectual developmental disorder, X-linked 99. Also called: Intellectual disability, X-linked 99. Identifiers: Orphanet 777, MedGen C3806746, MONDO:0010487, OMIM 300919.

Allele frequency attached by ClinVar (database versions not stated): gnomAD exomes 0.00001 and below 0.00001; TOPMed below 0.00001.
gnomAD v4.1: 2 of 1,211,678 alleles (0.00017%); highest among the groups gnomAD compares: Non-Finnish European, 0.00022%; no homozygotes.

Submission:

Labcorp Genetics (formerly Invitae), Labcorp
Classification: Uncertain significance. Last evaluated: 2023-09-01. Review status: criteria provided, single submitter. Criteria: Invitae Variant Classification Sherloc (09022015). Collection method: clinical testing. Allele origin: germline.
Comment: This sequence change replaces aspartic acid, which is acidic and polar, with histidine, which is basic and polar, at codon 1891 of the USP9X protein (p.Asp1891His). This variant is present in population databases (no rsID available, gnomAD 0.001%). This variant has not been reported in the literature in individuals affected with USP9X-related conditions. ClinVar contains an entry for this variant (Variation ID: 973055). An algorithm developed to predict the effect of missense changes on protein structure and function (PolyPhen-2) suggests that this variant is likely to be disruptive. In summary, the available evidence is currently insufficient to determine the role of this variant in disease. Therefore, it has been classified as a Variant of Uncertain Significance.